The following is an entry in ClinVar:

NM_000252.3(MTM1):c.763A>T (p.Lys255Ter)

Gene: MTM1 (myotubularin 1; plus strand). Cytogenetic location: Xq28.
Variant type: single nucleotide variant.
Coding change: c.763A>T on transcript NM_000252.3 (MANE Select); coding-DNA position 763, A replaced by T.
Protein change: p.Lys255Ter; replaces lysine 255 with a stop codon.
Molecular consequence: nonsense.
Genome position (GRCh38, 1-based): chrX:150,645,767, A>T. VCF-style: chrX-150645767-A-T. GRCh37 (hg19) VCF-style: chrX-149814240-A-T.
Other names: c.763A>T, p.Lys255Ter (NM_001376906.1, NM_001376908.1); c.652A>T, p.Lys218Ter (NM_001376907.1); short protein forms K218*, K255*.
Identifiers: ClinVar variation 1725627 (VCV001725627.2), dbSNP rs2522381476, ClinGen allele CA415256467.

ClinVar aggregate classification (germline): Likely pathogenic (1 of 4 stars; one submission).

Conditions:
Severe X-linked myotubular myopathy (CNMX). Also called: MYOTUBULAR MYOPATHY 1; Myotubular myopathy, X-linked; X-linked centronuclear myopathy. Identifiers: Orphanet 596, MedGen C0410203, MONDO:0010683, OMIM 310400.

Submission:

Myriad Genetics, Inc.
Classification: Likely pathogenic for Severe X-linked myotubular myopathy. Last evaluated: 2022-03-30. Review status: criteria provided, single submitter. Criteria: Myriad Women's Health Autosomal Recessive and X-Linked Classification Criteria (2021). Collection method: clinical testing. Allele origin: unknown.
Comment: NM_000252.2(MTM1):c.763A>T(K255*) is expected to be pathogenic in the context of X-linked myotubular myopathy. This variant is predicted to lead to an abnormal or absent protein product due to the creation of a premature termination codon in MTM1, a gene where loss-of-function variants are known to be pathogenic. Please note: this variant was assessed in the context of healthy population screening.